The following is an entry in ClinVar:

ClinVar aggregate classification (germline): Pathogenic (1 of 4 stars; one submission).

Conditions:
Optic atrophy with or without deafness, ophthalmoplegia, myopathy, ataxia, and neuropathy. Also called: OPTIC ATROPHY PLUS SYNDROME. Identifiers: MedGen C3276549, MONDO:0007429, OMIM 125250.

Submission:

Victorian Clinical Genetics Services, Murdoch Childrens Research Institute
Classification: Pathogenic for Optic atrophy with or without deafness, ophthalmoplegia, myopathy, ataxia, and neuropathy. Last evaluated: 2024-10-09. Review status: criteria provided, single submitter. Criteria: ACMG Guidelines, 2015. Collection method: clinical testing. Allele origin: germline. Affected: yes.
Comment: Based on the classification scheme VCGS_Germline_v1.3.4, this variant is classified as Pathogenic. Following criteria are met: 0102 - Loss of function is a known mechanism of disease in this gene and is associated with Optic atrophy plus syndrome (MIM#125250). (I) 0108 - This gene is associated with both recessive and dominant disease. Truncating variants and mutations in the C-terminal domain are associated with dominant optic atrophy. Individuals harbouring missense variants clustered within the GTPase domain, generally develop optic atrophy plus syndrome. Lastly, biallelic variants have been associated with early onset Behr syndrome (PMID: 31500643, 28494813, 25012220, 30165240). (I) 0112 - The condition associated with this gene has incomplete penetrance (PMID: 17306754). (I) 0201 - Variant is predicted to cause nonsense-mediated decay (NMD) and loss of protein (premature termination codon is located at least 54 nucleotides upstream of the final exon-exon junction). (SP) 0251 - This variant is heterozygous. (I) 0301 - Variant is absent from gnomAD (both v2 and v3). (SP) 0701 - Other NMD-predicted variants comparable to the one identified in this case have very strong previous evidence for pathogenicity (ClinVar). (SP) 0803 - This variant has limited previous evidence of pathogenicity in one individual with optic atrophy (PMID:34242285). (SP) 0905 - No published segregation evidence has been identified for this variant. (I) 1007 - No published functional evidence has been identified for this variant. (I) 1208 - Inheritance information for this variant is not currently available in this individual. (I) Legend: (SP) - Supporting pathogenic, (I) - Information, (SB) - Supporting benign

Literature cited by the submitters: PubMed 17306754; PubMed 25012220; PubMed 28494813; PubMed 30165240; PubMed 31500643; PubMed 34242285.

NM_130837.3(OPA1):c.1525C>T (p.Gln509Ter)

Gene: OPA1 (OPA1 mitochondrial dynamin like GTPase; plus strand). Cytogenetic location: 3q29.
Variant type: single nucleotide variant.
Coding change: c.1525C>T on transcript NM_130837.3 (MANE Select); coding-DNA position 1525, C replaced by T.
Protein change: p.Gln509Ter; replaces glutamine 509 with a stop codon.
Molecular consequence: nonsense.
Genome position (GRCh38, 1-based): chr3:193,644,022, C>T. VCF-style: chr3-193644022-C-T. GRCh37 (hg19) VCF-style: chr3-193361811-C-T.
Other names: c.991C>T, p.Gln331Ter (NM_001354663.2); c.988C>T, p.Gln330Ter (NM_001354664.2); c.1360C>T, p.Gln454Ter (NM_015560.3); c.1252C>T, p.Gln418Ter (NM_130831.3); c.1306C>T, p.Gln436Ter (NM_130832.3); c.1363C>T, p.Gln455Ter (NM_130833.3); c.1414C>T, p.Gln472Ter (NM_130834.3); c.1417C>T, p.Gln473Ter (NM_130835.3); and 1 more; short protein forms Q330*, Q331*, Q418*, Q436*, Q454*, Q455*, Q472*, Q473*.
Identifiers: ClinVar variation 3377088 (VCV003377088.1).